The following is an entry in ClinVar:

ClinVar aggregate classification (germline): Uncertain significance (1 of 4 stars; one submission).

Conditions:
TNC-related disorder. Also called: TNC-related condition.

Submission:

PreventionGenetics, part of Exact Sciences
Classification: Uncertain significance for TNC-related condition. Last evaluated: 2025-11-03. Review status: criteria provided, single submitter. Criteria: ACMG Guidelines, 2015. Collection method: clinical testing. Allele origin: germline.
Comment: The TNC c.1786A>G variant is predicted to result in the amino acid substitution p.Ser596Gly. To our knowledge, this variant has not been reported in the literature or in a large population database (gnomAD), indicating this variant is rare. At this time, the clinical significance of this variant is uncertain due to the absence of conclusive functional and genetic evidence.

NM_002160.4(TNC):c.1786A>G (p.Ser596Gly)

Gene: TNC (tenascin C; minus strand). Cytogenetic location: 9q33.1.
Variant type: single nucleotide variant.
Coding change: c.1786A>G on transcript NM_002160.4 (MANE Select); coding-DNA position 1786, A replaced by G.
Protein change: p.Ser596Gly; replaces serine 596 with glycine.
Molecular consequence: missense variant.
Genome position (GRCh38, 1-based): chr9:115,085,945, T>C on the plus strand (A>G on the coding strand, the complement: TNC is on the minus strand). VCF-style: chr9-115085945-T-C. GRCh37 (hg19) VCF-style: chr9-117848224-T-C.
Other names: c.1786A>G, p.Ser596Gly (NM_001410991.1, NM_001439065.1, NM_001439066.1 and 35 more transcripts); short protein forms S596G.
Identifiers: ClinVar variation 5002066 (VCV005002066.1).
Genomic context (GRCh38, chr9:115,085,945, plus strand): 5'-TGTAGCCCTCGTTGCAGATGCAGCGGCCCGAGACGCATTGTCCTAAGTTGTTGCAGTCAC[T>C]GGGGCAGGAGTGCTGGCCACAGTCCAGGCCTGTGAAGCCCTCGTGGCAGATGCACTGGCC-3'
Protein context (NP_002151.2, residues 586-606): GLDCGQHSCP[Ser596Gly]DCNNLGQCVS